The following is an entry in ClinVar:

ClinVar aggregate classification (germline): Uncertain significance (1 of 4 stars; one submission).

Conditions:
Familial adenomatous polyposis 1 (FAP1). Also called: FAMILIAL ADENOMATOUS POLYPOSIS 1, ATTENUATED; POLYPOSIS, ADENOMATOUS INTESTINAL. Identifiers: MedGen C2713442, MONDO:0021056, OMIM 175100. Disease mechanism: loss of function.

Submission:

Labcorp Genetics (formerly Invitae), Labcorp
Classification: Uncertain significance for Familial adenomatous polyposis 1. Last evaluated: 2023-12-01. Review status: criteria provided, single submitter. Criteria: Invitae Variant Classification Sherloc (09022015). Collection method: clinical testing. Allele origin: germline.
Comment: This variant occurs in a non-coding region of the APC gene. It does not change the encoded amino acid sequence of the APC protein. Information on the frequency of this variant in the gnomAD database is not available, as this variant may be reported differently in the database. This variant has not been reported in the literature in individuals affected with APC-related conditions. Experimental studies and prediction algorithms are not available or were not evaluated, and the functional significance of this variant is currently unknown. In summary, the available evidence is currently insufficient to determine the role of this variant in disease. Therefore, it has been classified as a Variant of Uncertain Significance.

NM_001127511.3(APC):c.-105_-104delinsTT

Gene: APC (APC regulator of Wnt signaling pathway; plus strand). Cytogenetic location: 5q22.2.
Variant type: Indel.
Coding change: c.-105_-104delinsTT on transcript NM_001127511.3; 105 bases upstream of the start codon through 104 bases upstream of the start codon, GA replaced by TT.
Molecular consequence: 5 prime UTR variant. On other transcripts: non-coding transcript variant (2).
Genome position (GRCh38, 1-based): chr5:112,707,613-112,707,614, GA replaced by TT. VCF-style: chr5-112707613-GA-TT. GRCh37 (hg19) VCF-style: chr5-112043310-GA-TT.
Other names: c.-288_-287delinsTT (NM_001354895.2, NM_001407447.1, NM_001407452.1 and 3 more transcripts); c.-105_-104delinsTT (NM_001354897.2, NM_001354902.2, NM_001407446.1); c.-55_-54delinsTT (NM_001407448.1, NM_001407450.1, NM_001407457.1 and 1 more transcripts); c.-79_-78delinsTT (NM_001407453.1); c.-1323_-1322delinsTT (NM_001407470.1, NM_001407472.1).
Identifiers: ClinVar variation 2700026 (VCV002700026.3), dbSNP rs2531736702, ClinGen allele CA2697546388.